The following is an entry in ClinVar:

NM_006950.3(SYN1):c.987G>A (p.Thr329=)

Gene: SYN1 (synapsin I; minus strand). Cytogenetic location: Xp11.3.
Variant type: single nucleotide variant.
Coding change: c.987G>A on transcript NM_006950.3 (MANE Select); coding-DNA position 987, G replaced by A.
Protein change: p.Thr329=; no amino-acid change (threonine 329 retained).
Molecular consequence: synonymous variant.
Genome position (GRCh38, 1-based): chrX:47,576,400, C>T on the plus strand (G>A on the coding strand, the complement: SYN1 is on the minus strand). VCF-style: chrX-47576400-C-T. GRCh37 (hg19) VCF-style: chrX-47435799-C-T.
Other names: c.987G>A, p.Thr329= (NM_133499.2).
Identifiers: ClinVar variation 436897 (VCV000436897.17), dbSNP rs371126022, ClinGen allele CA10398432.

ClinVar aggregate classification (germline): Likely benign. Review status: criteria provided, multiple submitters, no conflicts (2 of 4 stars). 3 submissions from 3 submitters: Likely benign (2). 1 of the submissions does not count toward it. Last evaluated 2025-04-07.

Conditions:
SYN1-related disorder. Also called: SYN1-related condition; SYN1-Related Disorders.
Epilepsy, X-linked 1, with variable learning disabilities and behavior disorders. Also called: X-linked epilepsy-learning disabilities-behavior disorders syndrome. Identifiers: Orphanet 85294, MedGen C5774177, MONDO:0010339, OMIM 300491.

Allele frequency attached by ClinVar (database versions not stated): gnomAD 0.00001; TOPMed 0.00005; gnomAD exomes 0.00008 and 0.00009; ESP Exome Variant Server 0.00009; ExAC 0.00014.
gnomAD v4.1: 102 of 1,210,494 alleles (0.0084%); highest among the groups gnomAD compares: East Asian, 0.28%; 1 homozygote.

Submissions (3):

Labcorp Genetics (formerly Invitae), Labcorp
Classification: Likely benign for Epilepsy, X-linked 1, with variable learning disabilities and behavior disorders. Last evaluated: 2025-04-07. Review status: criteria provided, single submitter. Criteria: Invitae Variant Classification Sherloc (09022015). Collection method: clinical testing. Allele origin: germline.

Genetic Services Laboratory, University of Chicago
Classification: Likely benign. Last evaluated: 2016-06-08. Review status: criteria provided, single submitter. Criteria: ACMG Guidelines, 2015. Collection method: clinical testing. Allele origin: germline. Affected: no.

PreventionGenetics, part of Exact Sciences
Classification: Likely benign for SYN1-related condition. Last evaluated: 2019-04-05. Review status: no assertion criteria provided. Collection method: clinical testing. Allele origin: germline. Not counted in ClinVar's aggregate classification.
Comment: This variant is classified as likely benign based on ACMG/AMP sequence variant interpretation guidelines (Richards et al. 2015 PMID: 25741868, with internal and published modifications).